The following is an entry in ClinVar:

NM_015474.4(SAMHD1):c.400C>T (p.Arg134Ter)

Gene: SAMHD1 (SAM and HD domain containing deoxynucleoside triphosphate triphosphohydrolase 1; minus strand). Cytogenetic location: 20q11.23.
Variant type: single nucleotide variant.
Coding change: c.400C>T on transcript NM_015474.4 (MANE Select); coding-DNA position 400, C replaced by T.
Protein change: p.Arg134Ter; replaces arginine 134 with a stop codon.
Molecular consequence: nonsense.
Genome position (GRCh38, 1-based): chr20:36,935,138, G>A on the plus strand (C>T on the coding strand, the complement: SAMHD1 is on the minus strand). VCF-style: chr20-36935138-G-A. GRCh37 (hg19) VCF-style: chr20-35563541-G-A.
Other names: c.400C>T, p.Arg134Ter (NM_001363729.2, NM_001363733.2); short protein forms R134*.
Identifiers: ClinVar variation 645045 (VCV000645045.10), dbSNP rs752442185, ClinGen allele CA408823241.

ClinVar aggregate classification (germline): Pathogenic/Likely pathogenic. Review status: criteria provided, multiple submitters, no conflicts (2 of 4 stars). 4 submissions from 4 submitters: Pathogenic (2); Likely pathogenic (2). Last evaluated 2025-10-20.

Conditions:
Aicardi Goutieres syndrome (AGS). Also called: Encephalopathy, familial infantile, with calcification of basal ganglia and chronic cerebrospinal fluid lymphocytosis. Identifiers: Orphanet 51, MedGen C0393591, MONDO:0018866.
Inborn genetic diseases. Identifiers: MedGen C0950123, MeSH D030342.
Aicardi-Goutieres syndrome 5. Identifiers: Orphanet 51, MedGen C2749659, MONDO:0013059, OMIM 612952.
Chilblain lupus 2 (CHBL2). Identifiers: MedGen C3280721, MONDO:0013739, OMIM 614415.

Allele frequency attached by ClinVar (database versions not stated): gnomAD 0.00001; TOPMed 0.00001.

Submissions (4):

Natera, Inc.
Classification: Likely pathogenic for Aicardi-Goutieres syndrome. Last evaluated: 2025-10-20. Review status: criteria provided, single submitter. Criteria: Natera Variant Classification Schema (03/2026). Collection method: clinical testing. Allele origin: germline.
Comment: The c.400C>T variant in SAMHD1 is a nonsense variant predicted to introduce a stop codon at amino acid 134. This variant is expected to result in nonsense mediated decay, truncation, or a dysfunctional protein product. This variant is rare in the general population with a frequency below the threshold expected for the associated phenotype(s). Given the available evidence, this variant is classified as Likely Pathogenic.

Labcorp Genetics (formerly Invitae), Labcorp
Classification: Pathogenic for Aicardi-Goutieres syndrome 5. Last evaluated: 2025-01-27. Review status: criteria provided, single submitter. Criteria: Invitae Variant Classification Sherloc (09022015). Collection method: clinical testing. Allele origin: germline.
Comment: This sequence change creates a premature translational stop signal (p.Arg134*) in the SAMHD1 gene. It is expected to result in an absent or disrupted protein product. Loss-of-function variants in SAMHD1 are known to be pathogenic (PMID: 19525956, 22461318). This variant is not present in population databases (gnomAD no frequency). This variant has not been reported in the literature in individuals affected with SAMHD1-related conditions. ClinVar contains an entry for this variant (Variation ID: 645045). For these reasons, this variant has been classified as Pathogenic.

Ambry Genetics
Classification: Pathogenic for Inborn genetic diseases. Last evaluated: 2024-12-30. Review status: criteria provided, single submitter. Criteria: Ambry Variant Classification Scheme 2023. Collection method: clinical testing. Allele origin: germline.
Comment: The c.400C>T (p.R134*) alteration, located in exon 4 (coding exon 4) of the SAMHD1 gene, consists of a C to T substitution at nucleotide position 400. This changes the amino acid from an arginine (R) to a stop codon at amino acid position 134. This alteration is expected to result in loss of function by premature protein truncation or nonsense-mediated mRNA decay. This variant was not reported in population-based cohorts in the Genome Aggregation Database (gnomAD). This variant has been identified in the homozygous state and/or in conjunction with other SAMHD1 variant(s) in individual(s) with Aicardi-Gouti&egrave;res Syndrome (Kul Cinar, 2022). Based on the available evidence, this alteration is classified as pathogenic.

Fulgent Genetics
Classification: Likely pathogenic for Aicardi-Goutieres syndrome 5; Chilblain lupus 2. Last evaluated: 2024-06-16. Review status: criteria provided, single submitter. Criteria: ACMG Guidelines, 2015. Collection method: clinical testing. Allele origin: germline.

Literature cited by the submitters: PubMed 19525956 (cited by Labcorp Genetics (formerly Invitae), Labcorp); PubMed 22461318 (cited by Labcorp Genetics (formerly Invitae), Labcorp); PubMed 35573950 (cited by Ambry Genetics).